The following is an entry in ClinVar:

ClinVar aggregate classification (germline): Uncertain significance. Review status: criteria provided, multiple submitters, no conflicts (2 of 4 stars). 2 submissions from 2 submitters: Uncertain significance (2). Last evaluated 2025-01-23.

Conditions:
VACTERL association, X-linked, with or without hydrocephalus (VACTERLX). Also called: VACTERL Association with Hydrocephalus, X-linked; X-linked VACTERL-H syndrome; VACTERL ASSOCIATION, X-LINKED; VACTERL-H, X-LINKED. Identifiers: Orphanet 3412, MedGen C2931228, MONDO:0010752, OMIM 314390.
Fanconi anemia complementation group B (FANCB). Also called: FANCONI PANCYTOPENIA, TYPE 2; FANCB-Related Fanconi Anemia. Identifiers: Orphanet 84, MedGen C1845292, MONDO:0010351, OMIM 300514.
Fanconi anemia (FA). Also called: Fanconi's anemia. Identifiers: Orphanet 84, MedGen C0015625, MeSH D005199, MONDO:0019391.

Allele frequency attached by ClinVar (database versions not stated): gnomAD exomes below 0.00001.
gnomAD v4.1: 3 of 1,167,207 alleles (0.00026%); highest among the groups gnomAD compares: South Asian, 0.0036%; no homozygotes.

Submissions (2):

Labcorp Genetics (formerly Invitae), Labcorp
Classification: Uncertain significance for Fanconi anemia. Last evaluated: 2025-01-23. Review status: criteria provided, single submitter. Criteria: Invitae Variant Classification Sherloc (09022015). Collection method: clinical testing. Allele origin: germline.
Comment: This sequence change replaces aspartic acid, which is acidic and polar, with glycine, which is neutral and non-polar, at codon 377 of the FANCB protein (p.Asp377Gly). This variant is not present in population databases (gnomAD no frequency). This variant has not been reported in the literature in individuals affected with FANCB-related conditions. ClinVar contains an entry for this variant (Variation ID: 1356788). Invitae Evidence Modeling of protein sequence and biophysical properties (such as structural, functional, and spatial information, amino acid conservation, physicochemical variation, residue mobility, and thermodynamic stability) indicates that this missense variant is expected to disrupt FANCB protein function with a positive predictive value of 80%. In summary, the available evidence is currently insufficient to determine the role of this variant in disease. Therefore, it has been classified as a Variant of Uncertain Significance.

Fulgent Genetics
Classification: Uncertain significance for Fanconi anemia complementation group B; VACTERL association, X-linked, with or without hydrocephalus. Last evaluated: 2022-03-22. Review status: criteria provided, single submitter. Criteria: ACMG Guidelines, 2015. Collection method: clinical testing. Allele origin: unknown.

NM_001018113.3(FANCB):c.1130A>G (p.Asp377Gly)

Gene: FANCB (FA complementation group B; minus strand). Cytogenetic location: Xp22.2.
Variant type: single nucleotide variant.
Coding change: c.1130A>G on transcript NM_001018113.3 (MANE Select); coding-DNA position 1130, A replaced by G.
Protein change: p.Asp377Gly; replaces aspartic acid 377 with glycine.
Molecular consequence: missense variant.
Genome position (GRCh38, 1-based): chrX:14,857,929, T>C on the plus strand (A>G on the coding strand, the complement: FANCB is on the minus strand). VCF-style: chrX-14857929-T-C. GRCh37 (hg19) VCF-style: chrX-14876051-T-C.
Other names: c.1130A>G, p.Asp377Gly (NM_001324162.2, NM_152633.4); short protein forms D377G.
Identifiers: ClinVar variation 1356788 (VCV001356788.7), dbSNP rs2147425036, ClinGen allele CA412442909.
Genomic context (GRCh38, chrX:14,857,929, plus strand): 5'-CCTGTTTCTAGAGGTGGAACCACCAGGTAACGATTCTCTTGTTTGTCTTCAAATAAGTCA[T>C]CTTCATTGCAATCTGATGGTTCACTCTAATAAATAAATAAATAAATAAATACACTAAGAC-3'
Protein context (NP_001018123.1, residues 367-387): YSSEPSDCNE[Asp377Gly]DLFEDKQENR